The following is an entry in ClinVar:

ClinVar aggregate classification (germline): Conflicting classifications of pathogenicity. Review status: criteria provided, conflicting classifications (1 of 4 stars). 14 submissions from 13 submitters: Uncertain significance (1); Benign (4); Likely benign (8). 1 of the submissions does not count toward it. Last evaluated 2026-08-01.

Conditions:
SYNE1-related disorder. Also called: SYNE1-related disease; SYNE1-related condition; SYNE1-related disorders.
Emery-Dreifuss muscular dystrophy 4, autosomal dominant (EDMD4). Also called: EMERY-DREIFUSS MUSCULAR DYSTROPHY 4 WITH VARIABLE FEATURES. Identifiers: Orphanet 261, MedGen C2751807, MONDO:0013071, OMIM 612998.
Autosomal recessive ataxia, Beauce type. Also called: SYNE1 Deficiency; ATAXIA, RECESSIVE, OF BEAUCE; Spinocerebellar ataxia, autosomal recessive 8; SYNE1-Related Autosomal Recessive Cerebellar Ataxia. Identifiers: Orphanet 88644, MedGen C1853116, MONDO:0012549, OMIM 610743.

Allele frequency attached by ClinVar (database versions not stated): 1000 Genomes Project 30x 0.00109; 1000 Genomes Project 0.00120; gnomAD exomes 0.00351 and 0.00652; ExAC 0.00371; gnomAD 0.00391 and 0.00432; TOPMed 0.00428; ESP Exome Variant Server 0.00454.
gnomAD v4.1: 10,066 of 1,613,974 alleles (0.62%); highest among the groups gnomAD compares: Non-Finnish European, 0.79%; 49 homozygotes.

Submissions 1 to 20 of 33:

CeGaT Center for Human Genetics Tuebingen
Classification: Likely benign. Last evaluated: 2026-08-01. Review status: criteria provided, single submitter. Criteria: CeGaT Center For Human Genetics Tuebingen Variant Classification Criteria Version 2. Collection method: clinical testing. Allele origin: germline. Affected: yes. Observed: 31 variant alleles.
Comment: SYNE1: BP4, BS2

Labcorp Genetics (formerly Invitae), Labcorp
Classification: Likely benign for Emery-Dreifuss muscular dystrophy 4, autosomal dominant; Autosomal recessive ataxia, Beauce type. Last evaluated: 2026-01-28. Review status: criteria provided, single submitter. Criteria: Invitae Variant Classification Sherloc (09022015). Collection method: clinical testing. Allele origin: germline.

Women's Health and Genetics/Laboratory Corporation of America, LabCorp
Classification: Likely benign. Last evaluated: 2025-09-08. Review status: criteria provided, single submitter. Criteria: LabCorp Variant Classification Summary - May 2015. Collection method: clinical testing. Allele origin: germline.
Comment: Variant summary: SYNE1 c.23102G>A (p.Arg7701Gln) results in a conservative amino acid change in the encoded protein sequence. Algorithms developed to predict the effect of missense changes on protein structure and function are either unavailable or do not agree on the potential impact of this missense change. The variant allele was found at a frequency of 0.0062 in 1607002 control chromosomes, predominantly at a frequency of 0.0079 within the Non-Finnish European subpopulation in the gnomAD database, including 47 homozygotes. The observed variant frequency within Non-Finnish European control individuals in the gnomAD database exceeds the estimated maximal expected allele frequency for disease-causing variants in SYNE1. c.23102G>A has been observed in three individuals affected with ataxia (Ngo_2020), however, no supportive evidence for causality was provided. These reports do not provide unequivocal conclusions about association of the variant with Autosomal recessive ataxia, Beauce type. To our knowledge, no experimental evidence demonstrating an impact on protein function has been reported. The following publication have been ascertained in the context of this evaluation (PMID: 31692161). ClinVar contains an entry for this variant (Variation ID: 194147). Based on the evidence outlined above, the variant was classified as likely benign.

Blueprint Genetics
Classification: Likely benign. Last evaluated: 2024-11-25. Review status: criteria provided, single submitter. Criteria: ACMG Guidelines, 2015. Collection method: clinical testing. Allele origin: germline.

Mayo Clinic Laboratories, Mayo Clinic
Classification: Benign. Last evaluated: 2024-06-18. Review status: criteria provided, single submitter. Criteria: ACMG Guidelines, 2015. Collection method: clinical testing. Allele origin: germline. Observed: 14 variant alleles.
Comment: BS1, BS2, BP4

GeneDx
Classification: Benign. Last evaluated: 2020-05-26. Review status: criteria provided, single submitter. Criteria: GeneDx Variant Classification Process June 2021. Collection method: clinical testing. Allele origin: germline. Affected: yes.
Comment: This variant is associated with the following publications: (PMID: 31692161, 32075053)

Athena Diagnostics
Classification: Benign. Last evaluated: 2018-10-12. Review status: criteria provided, single submitter. Criteria: Athena Diagnostics Criteria. Collection method: clinical testing. Allele origin: germline.

Illumina Laboratory Services, Illumina
Classification: Benign for Emery-Dreifuss muscular dystrophy 4, autosomal dominant. Last evaluated: 2018-01-13. Review status: criteria provided, single submitter. Criteria: ICSL Variant Classification Criteria 13 December 2019. Collection method: clinical testing. Allele origin: germline.
Comment: This variant was observed in the ICSL laboratory as part of a predisposition screen in an ostensibly healthy population. It had not been previously curated by ICSL or reported in the Human Gene Mutation Database (HGMD: prior to June 1st, 2018), and was therefore a candidate for classification through an automated scoring system. Utilizing variant allele frequency, disease prevalence and penetrance estimates, and inheritance mode, an automated score was calculated to assess if this variant is too frequent to cause the disease. Based on the score and internal cut-off values, a variant classified as benign is not then subjected to further curation. The score for this variant resulted in a classification of benign for this disease.

Illumina Laboratory Services, Illumina
Classification: Likely benign for Autosomal recessive ataxia, Beauce type. Last evaluated: 2018-01-13. Review status: criteria provided, single submitter. Criteria: ICSL Variant Classification Criteria 13 December 2019. Collection method: clinical testing. Allele origin: germline.
Comment: This variant was observed in the ICSL laboratory as part of a predisposition screen in an ostensibly healthy population. It had not been previously curated by ICSL or reported in the Human Gene Mutation Database (HGMD: prior to June 1st, 2018), and was therefore a candidate for classification through an automated scoring system. Utilizing variant allele frequency, disease prevalence and penetrance estimates, and inheritance mode, an automated score was calculated to assess if this variant is too frequent to cause the disease. Based on the score and internal cut-off values, a variant classified as likely benign is not then subjected to further curation. The score for this variant resulted in a classification of likely benign for this disease.

Center for Pediatric Genomic Medicine, Children's Mercy Hospital and Clinics
Classification: Likely benign. Last evaluated: 2017-03-03. Review status: criteria provided, single submitter. Criteria: ACMG Guidelines, 2015. Collection method: clinical testing. Allele origin: germline.

Eurofins Ntd Llc (ga)
Classification: Likely benign. Last evaluated: 2015-01-12. Review status: criteria provided, single submitter. Criteria: EGL Classification Definitions 2015. Collection method: clinical testing. Allele origin: germline. Observed: 1 variant allele, 1 heterozygote.

Stanford Center for Inherited Cardiovascular Disease, Stanford University
Classification: Uncertain significance. Last evaluated: 2014-04-24. Review status: criteria provided, single submitter. Criteria: ACMG Guidelines, 2015. Collection method: provider interpretation. Allele origin: germline.

Breakthrough Genomics
Classification: Likely benign. Review status: criteria provided, single submitter. Criteria: ACMG Guidelines, 2015. Collection method: not provided. Allele origin: germline. Inheritance: Autosomal recessive inheritance. Affected: yes.

PreventionGenetics, part of Exact Sciences
Classification: Likely benign for SYNE1-related condition. Last evaluated: 2019-05-03. Review status: no assertion criteria provided. Collection method: clinical testing. Allele origin: germline. Not counted in ClinVar's aggregate classification.
Comment: This variant is classified as likely benign based on ACMG/AMP sequence variant interpretation guidelines (Richards et al. 2015 PMID: 25741868, with internal and published modifications).

Dr. Peter K. Rogan Lab, Western University
No classification provided (evidence only). Condition: Clear cell carcinoma of kidney. Review status: no classification provided. Collection method: in vitro. Allele origin: not applicable. Functional consequence: retained intron. Not counted in ClinVar's aggregate classification.

Dr. Peter K. Rogan Lab, Western University
No classification provided (evidence only). Condition: Melanoma. Review status: no classification provided. Collection method: in vitro. Allele origin: not applicable. Functional consequence: retained intron. Not counted in ClinVar's aggregate classification.

Dr. Peter K. Rogan Lab, Western University
No classification provided (evidence only). Condition: Familial cancer of breast. Review status: no classification provided. Collection method: in vitro. Allele origin: not applicable. Functional consequence: retained intron. Not counted in ClinVar's aggregate classification.

Dr. Peter K. Rogan Lab, Western University
No classification provided (evidence only). Condition: Familial cancer of breast. Review status: no classification provided. Collection method: in vitro. Allele origin: not applicable. Functional consequence: retained intron. Not counted in ClinVar's aggregate classification.

Dr. Peter K. Rogan Lab, Western University
No classification provided (evidence only). Condition: Acute myeloid leukemia. Review status: no classification provided. Collection method: in vitro. Allele origin: not applicable. Functional consequence: retained intron. Not counted in ClinVar's aggregate classification.

Dr. Peter K. Rogan Lab, Western University
No classification provided (evidence only). Condition: Acute myeloid leukemia. Review status: no classification provided. Collection method: in vitro. Allele origin: not applicable. Functional consequence: retained intron. Not counted in ClinVar's aggregate classification.

NM_182961.4(SYNE1):c.23315G>A (p.Arg7772Gln)

Gene: SYNE1 (spectrin repeat containing nuclear envelope protein 1; minus strand). Cytogenetic location: 6q25.2.
Variant type: single nucleotide variant.
Coding change: c.23315G>A on transcript NM_182961.4 (MANE Select); coding-DNA position 23315, G replaced by A.
Protein change: p.Arg7772Gln; replaces arginine 7772 with glutamine.
Molecular consequence: missense variant. On other transcripts: 5 prime UTR variant (1).
Genome position (GRCh38, 1-based): chr6:152,180,281, C>T on the plus strand (G>A on the coding strand, the complement: SYNE1 is on the minus strand). VCF-style: chr6-152180281-C-T. GRCh37 (hg19) VCF-style: chr6-152501416-C-T.
Other names: p.Arg7701Gln; c.-80G>A (NM_001347701.2); c.23102G>A, p.Arg7701Gln (NM_033071.5); short protein forms R7701Q, R7772Q.
Identifiers: ClinVar variation 194147 (VCV000194147.70), dbSNP rs138787771, ClinGen allele CA200984.
Genomic context (GRCh38, chr6:152,180,281, plus strand): 5'-AGTTCCTTGTTCTTTTCACTGAAGACTGCCCATTCATTCAATCTTTCACCTATTTGCTGC[C>T]GCCTTAAGGAGAGCTGAAAAGTTTAAAATGGGAGAATAGGCAAAATGATTATCAGAGAGA-3'
Protein context (NP_892006.3, residues 7762-7782): EELCHQLSLR[Arg7772Gln]QQIGERLNEW